The following is an entry in ClinVar:

NM_032638.5(GATA2):c.949A>G (p.Asn317Asp)

Gene: GATA2 (GATA binding protein 2; minus strand). Cytogenetic location: 3q21.3.
Variant type: single nucleotide variant.
Coding change: c.949A>G on transcript NM_032638.5 (MANE Select); coding-DNA position 949, A replaced by G.
Protein change: p.Asn317Asp; replaces asparagine 317 with aspartic acid.
Molecular consequence: missense variant.
Genome position (GRCh38, 1-based): chr3:128,483,928, T>C on the plus strand (A>G on the coding strand, the complement: GATA2 is on the minus strand). VCF-style: chr3-128483928-T-C. GRCh37 (hg19) VCF-style: chr3-128202771-T-C.
Other names: c.949A>G, p.Asn317Asp (NM_001145661.2, NM_001145662.1); short protein forms N317D.
Identifiers: ClinVar variation 2011605 (VCV002011605.4), dbSNP rs1576746883, ClinGen allele CA354404536.

ClinVar aggregate classification (germline): Uncertain significance (1 of 4 stars; one submission).

Conditions:
Deafness-lymphedema-leukemia syndrome. Also called: Emberger syndrome; Lymphedema, primary, with myelodysplasia. Identifiers: Orphanet 3226, MedGen C3279664, MONDO:0013540, OMIM 614038.
Monocytopenia with susceptibility to infections. Also called: MONOCYTOPENIA AND MYCOBACTERIAL INFECTION SYNDROME; MONOCYTOPENIA WITH SUSCEPTIBILITY TO MYCOBACTERIAL, FUNGAL, AND PAPILLOMAVIRUS INFECTIONS AND MYELODYSPLASIA; COMBINED IMMUNODEFICIENCY WITH SUSCEPTIBILITY TO MYCOBACTERIAL, VIRAL, AND FUNGAL INFECTIONS; Dendritic cell, monocyte, B lymphocyte, and natural killer lymphocyte deficiency; IMMUNODEFICIENCY 21; GATA2 DEFICIENCY. Identifiers: Orphanet 228423, MedGen C3280030, MONDO:0013607, OMIM 614172.

Submission:

Labcorp Genetics (formerly Invitae), Labcorp
Classification: Uncertain significance for Monocytopenia with susceptibility to infections; Deafness-lymphedema-leukemia syndrome. Last evaluated: 2022-06-27. Review status: criteria provided, single submitter. Criteria: Invitae Variant Classification Sherloc (09022015). Collection method: clinical testing. Allele origin: germline.
Comment: This variant has not been reported in the literature in individuals affected with GATA2-related conditions. Advanced modeling of protein sequence and biophysical properties (such as structural, functional, and spatial information, amino acid conservation, physicochemical variation, residue mobility, and thermodynamic stability) performed at Invitae indicates that this missense variant is expected to disrupt GATA2 protein function. In summary, the available evidence is currently insufficient to determine the role of this variant in disease. Therefore, it has been classified as a Variant of Uncertain Significance. This variant is not present in population databases (gnomAD no frequency). This sequence change replaces asparagine, which is neutral and polar, with aspartic acid, which is acidic and polar, at codon 317 of the GATA2 protein (p.Asn317Asp).